The following continues an entry in ClinVar:

NM_001122955.4(BSCL2):c.455A>G (p.Asn152Ser)

ClinVar aggregate classification (germline): Pathogenic. Pathogenic (21).

Submissions 9 to 28 of 28:

Ambry Genetics
Classification: Pathogenic for Inborn genetic diseases. Last evaluated: 2023-06-06. Review status: criteria provided, single submitter. Criteria: Ambry Variant Classification Scheme 2023. Collection method: clinical testing. Allele origin: germline.
Comment: The c.263A>G (p.N88S) alteration is located in exon 3 (coding exon 2) of the BSCL2 gene. This alteration results from an A to G substitution at nucleotide position 263, causing the asparagine (N) at amino acid position 88 to be replaced by a serine (S)._x000D_ _x000D_ Based on the available evidence, the BSCL2 c.263A>G (p.N88S) alteration is classified as pathogenic for autosomal dominant BSCL2-related neurologic disorder; however, its clinical significance for autosomal recessive BSCL2-related syndrome is unclear. Based on data from gnomAD, the G allele has an overall frequency of 0.002% (4/251364) total alleles studied. The highest observed frequency was 0.01% (1/10074) of Ashkenazi Jewish alleles. This variant has been reported in multiple individuals with features of autosomal dominant BSCL2-related neurologic disorder and cosegregates with disease in multiple families (Thomas, 2022; Gentile, 2021; Fern&aacute;ndez-Eulate, 2020; Minami, 2018; Musacchio, 2017; Ollivier, 2015; Monteiro, 2015; Rakoevi-Stojanovi, 2010; Brusse, 2009; Cafforio, 2008; van de Warrenburg, 2006; Auer-Grumbach, 2005; Windpassinger, 2004). This amino acid position is highly conserved in available vertebrate species. In vitro and in vivo functional studies demonstrate that this alteration disrupts the N-glycosylation site of seipin resulting in protein misfolding and accumulation consistent with a toxic gain-of-function effect (Lundin, 2006; Ito, 2007; Windpassinger, 2004; Ito, 2008; Fei, 2011; Yagi, 2011; Ito, 2012). Additional functional studies show aberrant neuronal electrophysiology and synaptic plasticity in vitro (Wei, 2014). This alteration is predicted to be tolerated by in silico analysis. Based on the available evidence, this alteration is classified as pathogenic.

Neurometabolic Diseases Laboratory, Bellvitge Biomedical Research Institute (IDIBELL)
Classification: Pathogenic for Hereditary spastic paraplegia 17. Last evaluated: 2023-04-27. Review status: criteria provided, single submitter. Criteria: ACMG Guidelines, 2015. Collection method: research. Allele origin: germline. Affected: yes. Observed: 4 variant alleles.

MGZ Medical Genetics Center
Classification: Pathogenic for Neuronopathy, distal hereditary motor, type 5C. Last evaluated: 2022-06-17. Review status: criteria provided, single submitter. Criteria: ACMG Guidelines, 2015. Collection method: clinical testing. Allele origin: germline. Affected: yes. Observed: 2 variant alleles.
Comment: ACMG criteria applied: PS4, PP1_STR, PS3_MOD, PM2_SUP, PP3

Clinical Genetics Laboratory, Skane University Hospital Lund
Classification: Pathogenic. Last evaluated: 2022-06-09. Review status: criteria provided, single submitter. Criteria: ACMG Guidelines, 2015. Collection method: clinical testing. Allele origin: germline. Affected: yes.

Kariminejad - Najmabadi Pathology & Genetics Center
Classification: Pathogenic for Peripheral neuropathy. Last evaluated: 2021-07-10. Review status: criteria provided, single submitter. Criteria: ACMG Guidelines, 2015. Collection method: clinical testing. Allele origin: germline. Affected: yes.

Institute of Human Genetics Munich, TUM University Hospital
Classification: Pathogenic for Neuronopathy, distal hereditary motor, type 5C. Last evaluated: 2021-04-30. Review status: criteria provided, single submitter. Criteria: Classification criteria August 2017. Collection method: clinical testing. Allele origin: germline. Inheritance: Autosomal dominant inheritance. Affected: yes. Observed: 1 variant allele.

Institute of Medical Genetics and Applied Genomics, University Hospital Tübingen
Classification: Pathogenic. Last evaluated: 2020-10-23. Review status: criteria provided, single submitter. Criteria: ACMG Guidelines, 2015. Collection method: clinical testing. Allele origin: germline. Inheritance: Autosomal unknown. Affected: yes.

Genome Diagnostics Laboratory, The Hospital for Sick Children
Classification: Pathogenic for Hereditary spastic paraplegia. Last evaluated: 2020-09-24. Review status: criteria provided, single submitter. Criteria: ACMG Guidelines, 2015. Collection method: clinical testing. Allele origin: germline. Affected: yes.

Equipe Genetique des Anomalies du Developpement, Université de Bourgogne
Classification: Pathogenic for Neuronopathy, distal hereditary motor, type 5A. Last evaluated: 2018-10-09. Review status: criteria provided, single submitter. Criteria: ACMG Guidelines, 2015. Collection method: clinical testing. Allele origin: paternal. Affected: yes.

SIB Swiss Institute of Bioinformatics
Classification: Pathogenic for Hereditary spastic paraplegia 17. Last evaluated: 2018-05-31. Review status: criteria provided, single submitter. Criteria: ACMG Guidelines, 2015. Collection method: curation. Allele origin: unknown.
Comment: This variant is interpreted as a Pathogenic, for Spastic paraplegia 17, autosomal dominant, in Autosomal Dominant manner. The following ACMG Tag(s) were applied: PS4 => Prevalence in affecteds statistically increased over controls. N88S is the most frequent mutation. According to Ito & Suzuki 2009, 40 patients out of 48 patients from 16 families have N88S. In ExAC: 1 individual with N88S out of 60000 (PMID:18790819). PS3 => Well-established functional studies show a deleterious effect (PMID:17387721) (PMID:21750110).

ARUP Laboratories, Molecular Genetics and Genomics, ARUP Laboratories
Classification: Pathogenic. Last evaluated: 2016-09-19. Review status: criteria provided, single submitter. Criteria: ARUP Molecular Germline Variant Investigation Process. Collection method: clinical testing. Allele origin: germline.

Juno Genomics, Hangzhou Juno Genomics, Inc
Classification: Pathogenic for Neuronopathy, distal hereditary motor, type 5C. Review status: criteria provided, single submitter. Criteria: ACMG Guidelines, 2015. Collection method: clinical testing. Allele origin: germline.
Comment: Absent from controls (or at extremely low frequency if recessive) in Genome Aggregation Database.;The prevalence of the variant in affected individuals is significantly increased compared to the prevalence in controls.;Co-segregation with disease in multiple affected family members.;Patient's phenotype or family history is highly specific for a disease with a single genetic etiology.;Well-established in vitro or in vivo functional studies supportive of a damaging effect on the gene or gene product.

Paris Brain Institute, Inserm - ICM
Classification: Pathogenic for Hereditary spastic paraplegia 17. Review status: criteria provided, single submitter. Criteria: ACMG Guidelines, 2015. Collection method: clinical testing. Allele origin: unknown. Affected: yes. Observed: 3 variant alleles.

Inherited Neuropathy Consortium Ii, University Of Miami
Classification: Uncertain significance for Berardinelli-Seip congenital lipodystrophy. Last evaluated: 2016-01-06. Review status: no assertion criteria provided. Collection method: literature only. Allele origin: germline. Affected: yes. Not counted in ClinVar's aggregate classification.

OMIM
Classification: Pathogenic for SILVER SPASTIC PARAPLEGIA SYNDROME. Last evaluated: 2013-06-01. Review status: no assertion criteria provided. Collection method: literature only. Allele origin: germline. Not counted in ClinVar's aggregate classification.

OMIM
Classification: Pathogenic for NEURONOPATHY, DISTAL HEREDITARY MOTOR, AUTOSOMAL DOMINANT 13. Last evaluated: 2013-06-01. Review status: no assertion criteria provided. Collection method: literature only. Allele origin: germline. Not counted in ClinVar's aggregate classification.

Clinical Genetics, Academic Medical Center
Classification: Pathogenic. Review status: no assertion criteria provided. Collection method: clinical testing. Allele origin: germline. Affected: yes. Study: VKGL Data-share Consensus. Not counted in ClinVar's aggregate classification.

GeneReviews
No classification provided. Condition: Hereditary spastic paraplegia 17. Review status: no classification provided. Collection method: literature only. Allele origin: germline. Not counted in ClinVar's aggregate classification.

Genome Diagnostics Laboratory, University Medical Center Utrecht
Classification: Pathogenic. Review status: no assertion criteria provided. Collection method: clinical testing. Allele origin: germline. Affected: yes. Study: VKGL Data-share Consensus. Not counted in ClinVar's aggregate classification.

Northcott Neuroscience Laboratory, ANZAC Research Institute
Classification: Pathogenic for Distal hereditary motor neuronopathy type 5. Review status: no assertion criteria provided. Collection method: not provided. Allele origin: germline. Not counted in ClinVar's aggregate classification.
Comment: Family G and H
ClinVar note: Converted during submission from pathogenic to Pathogenic.

Literature cited by the submitters: PubMed 14981520 (cited by 5 submitters); PubMed 15732094 (cited by 5 submitters); PubMed 16427281 (cited by 5 submitters); PubMed 20598714 (cited by 3 submitters); PubMed 23553728 (cited by 4 submitters); PubMed 25219579 (cited by 4 submitters); PubMed 25454168 (cited by 3 submitters); PubMed 17387721 (cited by 5 submitters); PubMed 18585921 (cited by 3 submitters); PubMed 21957196 (cited by 3 submitters); PubMed 22045697 (cited by Labcorp Genetics (formerly Invitae), Labcorp and Ambry Genetics); PubMed 24345054 (cited by 3 submitters); PubMed 21750110 (cited by 3 submitters); PubMed 34085946 (cited by Athena Diagnostics and Ambry Genetics); PubMed 32108980 (cited by Athena Diagnostics and 3billion); PubMed 29269637 (cited by Athena Diagnostics and Ambry Genetics); PubMed 27738760 (cited by Athena Diagnostics and Ambry Genetics); PubMed 26989944 (cited by Athena Diagnostics); PubMed 36126862 (cited by Athena Diagnostics); PubMed 19396477 (cited by 3 submitters); PubMed 20301484 (cited by Division of Genetic & Genomic Pathology, Hong Kong Children's Hospital); PubMed 25832430 (cited by Division of Genetic & Genomic Pathology, Hong Kong Children's Hospital); PubMed 16574104 (cited by Ambry Genetics); PubMed 18612770 (cited by Ambry Genetics); PubMed 32320108 (cited by Ambry Genetics and Neurometabolic Diseases Laboratory, Bellvitge Biomedical Research Institute (IDIBELL)); PubMed 34942918 (cited by Ambry Genetics); PubMed 18790819 (cited by SIB Swiss Institute of Bioinformatics); PubMed 15126564 (cited by Inherited Neuropathy Consortium Ii, University Of Miami); PubMed 5964029 (cited by OMIM); PubMed 1674639 (cited by OMIM).